The following is an entry in ClinVar:

NM_024312.5(GNPTAB):c.628G>A (p.Gly210Ser)

Gene: GNPTAB (N-acetylglucosamine-1-phosphate transferase subunits alpha and beta; minus strand). Cytogenetic location: 12q23.2.
Variant type: single nucleotide variant.
Coding change: c.628G>A on transcript NM_024312.5 (MANE Select); coding-DNA position 628, G replaced by A.
Protein change: p.Gly210Ser; replaces glycine 210 with serine.
Molecular consequence: missense variant.
Genome position (GRCh38, 1-based): chr12:101,780,565, C>T on the plus strand (G>A on the coding strand, the complement: GNPTAB is on the minus strand). VCF-style: chr12-101780565-C-T. GRCh37 (hg19) VCF-style: chr12-102174343-C-T.
Other names: short protein forms G210S.
Identifiers: ClinVar variation 3573791 (VCV003573791.1).
Genomic context (GRCh38, chr12:101,780,565, plus strand): 5'-TATTTTTATTCTAGTCTATTGTAAAAATGCAATTAAATTTAAAATAACATACCAAGTAGC[C>T]CCTCCATACTGTCTGTCTGCTATTTCCTTTAAGCAGTCCAGAGTGGGCATCTTCAACTAC-3'
Protein context (NP_077288.2, residues 200-220): KGNSRQTVWR[Gly210Ser]YLTTDKEVPG

ClinVar aggregate classification (germline): Uncertain significance (1 of 4 stars; one submission).

gnomAD v4.1: 8 of 1,605,084 alleles (0.0005%); highest among the groups gnomAD compares: Non-Finnish European, 0.00068%; no homozygotes.

Submission:

GeneDx
Classification: Uncertain significance. Last evaluated: 2024-07-19. Review status: criteria provided, single submitter. Criteria: GeneDx Variant Classification Process June 2021. Collection method: clinical testing. Allele origin: germline. Affected: yes.
Comment: Not observed at significant frequency in large population cohorts (gnomAD); In silico analysis supports that this missense variant has a deleterious effect on protein structure/function; Has not been previously published as pathogenic or benign to our knowledge